The following is an entry in ClinVar:

ClinVar aggregate classification (germline): Uncertain significance. Review status: criteria provided, multiple submitters, no conflicts (2 of 4 stars). 2 submissions from 2 submitters: Uncertain significance (2). Last evaluated 2024-12-17.

Allele frequency attached by ClinVar (database versions not stated): gnomAD 0.00001; gnomAD exomes 0.00001 and 0.00002; ExAC 0.00004; ESP Exome Variant Server 0.00008.
gnomAD v4.1: 16 of 1,612,398 alleles (0.00099%); highest among the groups gnomAD compares: East Asian, 0.0045%; 1 homozygote.

Submissions (2):

Ambry Genetics
Classification: Uncertain significance. Last evaluated: 2024-12-17. Review status: criteria provided, single submitter. Criteria: Ambry Variant Classification Scheme 2023. Collection method: clinical testing. Allele origin: germline.

Labcorp Genetics (formerly Invitae), Labcorp
Classification: Uncertain significance. Last evaluated: 2021-11-16. Review status: criteria provided, single submitter. Criteria: Invitae Variant Classification Sherloc (09022015). Collection method: clinical testing. Allele origin: germline.
Comment: This sequence change replaces arginine, which is basic and polar, with tryptophan, which is neutral and slightly polar, at codon 2686 of the FBN3 protein (p.Arg2686Trp). The frequency data for this variant in the population databases is considered unreliable, as metrics indicate poor data quality at this position in the gnomAD database. In summary, the available evidence is currently insufficient to determine the role of this variant in disease. Therefore, it has been classified as a Variant of Uncertain Significance. Algorithms developed to predict the effect of missense changes on protein structure and function are either unavailable or do not agree on the potential impact of this missense change (SIFT: "Not Available"; PolyPhen-2: "Probably Damaging"; Align-GVGD: "Not Available"). This variant has not been reported in the literature in individuals affected with FBN3-related conditions.

NM_032447.5(FBN3):c.8056C>T (p.Arg2686Trp)

Gene: FBN3 (fibrillin 3; minus strand). Cytogenetic location: 19p13.2.
Variant type: single nucleotide variant.
Coding change: c.8056C>T on transcript NM_032447.5 (MANE Select); coding-DNA position 8056, C replaced by T.
Protein change: p.Arg2686Trp; replaces arginine 2686 with tryptophan.
Molecular consequence: missense variant.
Genome position (GRCh38, 1-based): chr19:8,072,080, G>A on the plus strand (C>T on the coding strand, the complement: FBN3 is on the minus strand). VCF-style: chr19-8072080-G-A. GRCh37 (hg19) VCF-style: chr19-8136964-G-A.
Other names: c.8056C>T (NM_032447.3); c.8056C>T, p.Arg2686Trp (NM_001321431.2); short protein forms R2686W.
Identifiers: ClinVar variation 1354014 (VCV001354014.7), dbSNP rs149393183, ClinGen allele CA9150649.